The following is an entry in ClinVar:

ClinVar aggregate classification (germline): Uncertain significance. Review status: criteria provided, multiple submitters, no conflicts (2 of 4 stars). 2 submissions from 2 submitters: Uncertain significance (2). Last evaluated 2026-08-13.

Conditions:
Hereditary cancer-predisposing syndrome. Also called: Hereditary Cancer Syndrome; Hereditary neoplastic syndrome; Neoplastic Syndromes, Hereditary; Tumor predisposition. Identifiers: Orphanet 140162, MedGen C0027672, MeSH D009386, MONDO:0015356.

Allele frequency attached by ClinVar (database versions not stated): gnomAD exomes below 0.00001.
gnomAD v4.1: 1 of 1,614,224 alleles (0.000062%); highest among the groups gnomAD compares: Non-Finnish European, 0.000085%; no homozygotes.

Submissions (2):

Ambry Genetics
Classification: Uncertain significance for Hereditary cancer-predisposing syndrome. Last evaluated: 2026-08-13. Review status: criteria provided, single submitter. Criteria: Ambry Variant Classification Scheme 2023. Collection method: clinical testing. Allele origin: germline.
Comment: The c.500+2T>C intronic variant results from a T to C substitution two nucleotides after coding exon 4 in the SMARCB1 gene. This nucleotide position is highly conserved in available vertebrate species. In silico splice site analysis predicts that this alteration will weaken the native splice donor site. Variants that disrupt the canonical splice site are expected to cause aberrant splicing, resulting in an abnormal protein or a transcript that is subject to nonsense-mediated mRNA decay; however, +2T>C variants are capable of generating wild-type transcripts in some genomic contexts and should be interpreted with caution (Lin JH et al. Hum Mutat. 2019 10;40:1856-1873). Loss-of-function variants in SMARCB1 are known to cause rhabdoid tumor predisposition syndrome; however, such associations with neurodevelopmental disorders are exceedingly rare (Kosho T et al. Am J Med Genet C Semin Med Genet. 2014 Sep;166C(3):262-75; Eaton KW et al. Pediatr Blood Cancer. 2011 Jan;56(1):7-15). Based on the available evidence, the clinical significance of this variant remains unclear.

Labcorp Genetics (formerly Invitae), Labcorp
Classification: Uncertain significance. Last evaluated: 2022-11-17. Review status: criteria provided, single submitter. Criteria: Invitae Variant Classification Sherloc (09022015). Collection method: clinical testing. Allele origin: germline.
Comment: Studies have shown that disruption of this splice site results in the activation of a cryptic splice site in intron 4 (Invitae). In summary, the available evidence is currently insufficient to determine the role of this variant in disease. Therefore, it has been classified as a Variant of Uncertain Significance. This variant has not been reported in the literature in individuals affected with SMARCB1-related conditions. This variant is not present in population databases (gnomAD no frequency). This sequence change affects a donor splice site in intron 4 of the SMARCB1 gene. RNA analysis indicates that disruption of this splice site induces altered splicing and likely results in the gain of 17 amino acid residue(s), but is expected to preserve the integrity of the reading-frame.

NM_003073.5(SMARCB1):c.500+2T>C

Gene: SMARCB1 (SWI/SNF related BAF chromatin remodeling complex subunit B1; plus strand). Cytogenetic location: 22q11.23.
Variant type: single nucleotide variant.
Coding change: c.500+2T>C on transcript NM_003073.5 (MANE Select); the canonical splice donor site of the intron after coding-DNA position 500, T replaced by C.
Molecular consequence: splice donor variant. On other transcripts: missense variant (2).
Genome position (GRCh38, 1-based): chr22:23,801,083, T>C. VCF-style: chr22-23801083-T-C. GRCh37 (hg19) VCF-style: chr22-24143270-T-C.
Other names: c.500+2T>C (NM_003073.3); c.475T>C, p.Cys159Arg (NM_001317946.2); c.502T>C, p.Cys168Arg (NM_001362877.2); c.473+2T>C (NM_001007468.3); short protein forms C159R, C168R.
Identifiers: ClinVar variation 2814993 (VCV002814993.4), dbSNP rs2517679945, ClinGen allele CA410934613.